The following is an entry in ClinVar:

ClinVar aggregate classification (germline): Likely benign (0 of 4 stars; one submission).

Conditions:
SEMA3D-related disorder. Also called: SEMA3D-related condition.

gnomAD v4.1: 2 of 1,612,706 alleles (0.00012%); highest among the groups gnomAD compares: South Asian, 0.0022%; no homozygotes.

Submission:

PreventionGenetics, part of Exact Sciences
Classification: Likely benign for SEMA3D-related condition. Last evaluated: 2023-10-03. Review status: no assertion criteria provided. Collection method: clinical testing. Allele origin: germline.
Comment: This variant is classified as likely benign based on ACMG/AMP sequence variant interpretation guidelines (Richards et al. 2015 PMID: 25741868, with internal and published modifications).

NM_001384900.1(SEMA3D):c.1185T>C (p.Pro395=)

Gene: SEMA3D (semaphorin 3D; minus strand). Cytogenetic location: 7q21.11.
Variant type: single nucleotide variant.
Coding change: c.1185T>C on transcript NM_001384900.1 (MANE Select); coding-DNA position 1185, T replaced by C.
Protein change: p.Pro395=; no amino-acid change (proline 395 retained).
Molecular consequence: synonymous variant.
Genome position (GRCh38, 1-based): chr7:85,036,895, A>G on the plus strand (T>C on the coding strand, the complement: SEMA3D is on the minus strand). VCF-style: chr7-85036895-A-G. GRCh37 (hg19) VCF-style: chr7-84666211-A-G.
Other names: c.1185T>C, p.Pro395= (NM_001384901.1, NM_001384902.1, NM_001384903.1 and 1 more transcripts).
Identifiers: ClinVar variation 3357604 (VCV003357604.1).